The following is an entry in ClinVar:

ClinVar aggregate classification (germline): Likely benign (1 of 4 stars; one submission).

Conditions:
SCLT1-related disorder. Also called: SCLT1-related condition.

gnomAD v4.1: 2 of 1,607,954 alleles (0.00012%); highest among the groups gnomAD compares: Admixed American, 0.0017%; no homozygotes.

Submission:

PreventionGenetics, part of Exact Sciences
Classification: Likely benign for SCLT1-related condition. Last evaluated: 2026-07-23. Review status: criteria provided, single submitter. Criteria: ACMG Guidelines, 2015. Collection method: clinical testing. Allele origin: germline.
Comment: This variant is classified as likely benign based on ACMG/AMP sequence variant interpretation guidelines (Richards et al. 2015 PMID: 25741868, with internal and published modifications).

NM_144643.4(SCLT1):c.1360C>T (p.Leu454=)

Gene: SCLT1 (sodium channel and clathrin linker 1; minus strand). Cytogenetic location: 4q28.2.
Variant type: single nucleotide variant.
Coding change: c.1360C>T on transcript NM_144643.4 (MANE Select); coding-DNA position 1360, C replaced by T.
Protein change: p.Leu454=; no amino-acid change (leucine 454 retained).
Molecular consequence: synonymous variant.
Genome position (GRCh38, 1-based): chr4:128,946,086, G>A on the plus strand (C>T on the coding strand, the complement: SCLT1 is on the minus strand). VCF-style: chr4-128946086-G-A. GRCh37 (hg19) VCF-style: chr4-129867241-G-A.
Other names: c.1360C>T, p.Leu454= (NM_001410807.1).
Identifiers: ClinVar variation 4983633 (VCV004983633.1).
Genomic context (GRCh38, chr4:128,946,086, plus strand): 5'-TTCTATTTTCTGCTCTCGTAAGTCTTAGCTGAAGATCATCTTTTGAACGCTCTGAAACCA[G>A]GAATCTTTGGTGCATTTCTTCCAGTTTTCTGTAATCACTCTCATTTCCTCTGCCTTCACG-3'
Protein context (NP_653244.2, residues 444-464): RKLEEMHQRF[Leu454=]VSERSKDDLQ